The following is an entry in ClinVar:

NM_001292063.2(OTOG):c.4279G>T (p.Glu1427Ter)

Gene: OTOG (otogelin; plus strand). Cytogenetic location: 11p15.1.
Variant type: single nucleotide variant.
Coding change: c.4279G>T on transcript NM_001292063.2 (MANE Select); coding-DNA position 4279, G replaced by T.
Protein change: p.Glu1427Ter; replaces glutamic acid 1427 with a stop codon.
Molecular consequence: nonsense.
Genome position (GRCh38, 1-based): chr11:17,609,134, G>T. VCF-style: chr11-17609134-G-T. GRCh37 (hg19) VCF-style: chr11-17630681-G-T.
Other names: c.4315G>T, p.Glu1439Ter (NM_001277269.2); short protein forms E1427*, E1439*.
Identifiers: ClinVar variation 1199581 (VCV001199581.3), dbSNP rs769161471, ClinGen allele CA218474943.

ClinVar aggregate classification (germline): Likely pathogenic (1 of 4 stars; one submission).

Allele frequency attached by ClinVar (database versions not stated): TOPMed below 0.00001; gnomAD exomes 0.00001.
gnomAD v4.1: 8 of 1,550,492 alleles (0.00052%); highest among the groups gnomAD compares: Non-Finnish European, 0.0007%; no homozygotes.

Submission:

GeneDx
Classification: Likely pathogenic. Last evaluated: 2021-06-15. Review status: criteria provided, single submitter. Criteria: GeneDx Variant Classification Process June 2021. Collection method: clinical testing. Allele origin: germline. Affected: yes.
Comment: Nonsense variant predicted to result in protein truncation or nonsense mediated decay in a gene for which loss-of-function is a known mechanism of disease; Not observed at significant frequency in large population cohorts (Lek et al., 2016); Has not been previously published as pathogenic or benign to our knowledge; This variant is associated with the following publications: (PMID: 27535533)